The following is an entry in ClinVar:

ClinVar aggregate classification (germline): Conflicting classifications of pathogenicity. Review status: criteria provided, conflicting classifications (1 of 4 stars). 2 submissions from 2 submitters: Uncertain significance (1); Likely benign (1). Last evaluated 2024-10-08.

Allele frequency attached by ClinVar (database versions not stated): 1000 Genomes Project 30x 0.00078; 1000 Genomes Project 0.00100; ESP Exome Variant Server 0.00114.
gnomAD v4.1: 1,651 of 1,607,904 alleles (0.1%); highest among the groups gnomAD compares: Admixed American, 0.18%; 4 homozygotes.

Submissions (2):

Blueprint Genetics
Classification: Likely benign. Last evaluated: 2024-10-08. Review status: criteria provided, single submitter. Criteria: ACMG Guidelines, 2015. Collection method: clinical testing. Allele origin: germline.

Labcorp Genetics (formerly Invitae), Labcorp
Classification: Uncertain significance. Last evaluated: 2022-04-19. Review status: criteria provided, single submitter. Criteria: Invitae Variant Classification Sherloc (09022015). Collection method: clinical testing. Allele origin: germline.
Comment: This sequence change replaces arginine, which is basic and polar, with serine, which is neutral and polar, at codon 1090 of the CPAMD8 protein (p.Arg1090Ser). This variant is present in population databases (rs143655652, gnomAD 0.1%), and has an allele count higher than expected for a pathogenic variant. This variant has not been reported in the literature in individuals affected with CPAMD8-related conditions. Algorithms developed to predict the effect of missense changes on protein structure and function (SIFT, PolyPhen-2, Align-GVGD) all suggest that this variant is likely to be tolerated. In summary, the available evidence is currently insufficient to determine the role of this variant in disease. Therefore, it has been classified as a Variant of Uncertain Significance.

NM_015692.5(CPAMD8):c.3127C>A (p.Arg1043Ser)

Gene: CPAMD8 (C3 and PZP like alpha-2-macroglobulin domain containing 8; minus strand). Cytogenetic location: 19p13.11.
Variant type: single nucleotide variant.
Coding change: c.3127C>A on transcript NM_015692.5 (MANE Select); coding-DNA position 3127, C replaced by A.
Protein change: p.Arg1043Ser; replaces arginine 1043 with serine.
Molecular consequence: missense variant.
Genome position (GRCh38, 1-based): chr19:16,928,959, G>T on the plus strand (C>A on the coding strand, the complement: CPAMD8 is on the minus strand). VCF-style: chr19-16928959-G-T. GRCh37 (hg19) VCF-style: chr19-17039769-G-T.
Other names: short protein forms R1043S.
Identifiers: ClinVar variation 2039399 (VCV002039399.2), dbSNP rs143655652, ClinGen allele CA9285085.